The following is an entry in ClinVar:

NM_022089.4(ATP13A2):c.2745C>T (p.Cys915=)

Gene: ATP13A2 (ATPase cation transporting 13A2; minus strand). Cytogenetic location: 1p36.13.
Variant type: single nucleotide variant.
Coding change: c.2745C>T on transcript NM_022089.4 (MANE Select); coding-DNA position 2745, C replaced by T.
Protein change: p.Cys915=; no amino-acid change (cysteine 915 retained).
Molecular consequence: synonymous variant.
Genome position (GRCh38, 1-based): chr1:16,988,339, G>A on the plus strand (C>T on the coding strand, the complement: ATP13A2 is on the minus strand). VCF-style: chr1-16988339-G-A. GRCh37 (hg19) VCF-style: chr1-17314834-G-A.
Other names: c.2730C>T, p.Cys910= (NM_001141973.3); c.2613C>T, p.Cys871= (NM_001141974.3); c.2745C>T (NM_022089.3).
Identifiers: ClinVar variation 1451530 (VCV001451530.9), dbSNP rs372361807, ClinGen allele CA636728.

ClinVar aggregate classification (germline): Likely benign. Review status: criteria provided, single submitter (1 of 4 stars). 2 submissions from 2 submitters: Likely benign (1). 1 of the submissions does not count toward it. Last evaluated 2023-02-08.

Conditions:
Autosomal recessive spastic paraplegia type 78. Identifiers: Orphanet 513436, MedGen C5567893, MONDO:0014975, OMIM 617225.
Kufor-Rakeb syndrome (KRS). Also called: PARKINSON DISEASE 9, AUTOSOMAL RECESSIVE, JUVENILE-ONSET. Identifiers: Orphanet 306674, Orphanet 314632, MedGen C1847640, MONDO:0011706, OMIM 606693.
ATP13A2-related disorder. Also called: ATP13A2-related disorders; ATP13A2-related condition.

Allele frequency attached by ClinVar (database versions not stated): gnomAD 0.00003 and 0.00004; TOPMed 0.00003; ExAC 0.00004; gnomAD exomes 0.00004 and 0.00006; ESP Exome Variant Server 0.00008.
gnomAD v4.1: 91 of 1,614,048 alleles (0.0056%); highest among the groups gnomAD compares: Non-Finnish European, 0.0068%; no homozygotes.

Submissions (2):

Labcorp Genetics (formerly Invitae), Labcorp
Classification: Likely benign for Kufor-Rakeb syndrome; Autosomal recessive spastic paraplegia type 78. Last evaluated: 2023-02-08. Review status: criteria provided, single submitter. Criteria: Invitae Variant Classification Sherloc (09022015). Collection method: clinical testing. Allele origin: germline.

PreventionGenetics, part of Exact Sciences
Classification: Likely benign for ATP13A2-related condition. Last evaluated: 2020-03-20. Review status: no assertion criteria provided. Collection method: clinical testing. Allele origin: germline. Not counted in ClinVar's aggregate classification.
Comment: This variant is classified as likely benign based on ACMG/AMP sequence variant interpretation guidelines (Richards et al. 2015 PMID: 25741868, with internal and published modifications).